The following is an entry in ClinVar:

NM_181458.4(PAX3):c.785G>A (p.Arg262Gln)

Gene: PAX3 (paired box 3; minus strand). Cytogenetic location: 2q36.1.
Variant type: single nucleotide variant.
Coding change: c.785G>A on transcript NM_181458.4 (MANE Select); coding-DNA position 785, G replaced by A.
Protein change: p.Arg262Gln; replaces arginine 262 with glutamine.
Molecular consequence: missense variant.
Genome position (GRCh38, 1-based): chr2:222,232,085, C>T on the plus strand (G>A on the coding strand, the complement: PAX3 is on the minus strand). VCF-style: chr2-222232085-C-T. GRCh37 (hg19) VCF-style: chr2-223096804-C-T.
Other names: c.782G>A, p.Arg261Gln (NM_001127366.3); c.785G>A, p.Arg262Gln (NM_181457.4, NM_181459.4, NM_181460.4 and 1 more transcripts); short protein forms R261Q, R262Q.
Identifiers: ClinVar variation 5006235 (VCV005006235.2).

ClinVar aggregate classification (germline): Uncertain significance (1 of 4 stars; one submission).

Conditions:
Alveolar rhabdomyosarcoma (RMS2). Also called: RHABDOMYOSARCOMA 2; Alveolar rhabdomyosarcoma (disease). Identifiers: Orphanet 780, Orphanet 99756, MedGen C0206655, MONDO:0009994, OMIM 268220, HP:0006779.
Waardenburg syndrome type 3 (WS3). Also called: WAARDENBURG SYNDROME WITH UPPER LIMB ANOMALIES; KLEIN-WAARDENBURG SYNDROME; Klein-Waardenberg's syndrome. Identifiers: Orphanet 3440, Orphanet 896, MedGen C0079661, MONDO:0007862, OMIM 148820.
Craniofacial-deafness-hand syndrome (CDHS). Identifiers: Orphanet 1529, MedGen C1852510, MONDO:0007395, OMIM 122880.
Waardenburg syndrome type 1 (WS1). Also called: WAARDENBURG SYNDROME WITH DYSTOPIA CANTHORUM; Waardenburg Syndrome Type I. Identifiers: Orphanet 894, MedGen C1847800, MONDO:0008670, OMIM 193500.

gnomAD v4.1: 6 of 1,613,662 alleles (0.00037%); highest among the groups gnomAD compares: African/African-American, 0.004%; no homozygotes.

Submission:

Juno Genomics, Hangzhou Juno Genomics, Inc
Classification: Uncertain significance for Craniofacial-deafness-hand syndrome; Alveolar rhabdomyosarcoma; Waardenburg syndrome type 1; Waardenburg syndrome type 3. Review status: criteria provided, single submitter. Criteria: ACMG Guidelines, 2015. Collection method: clinical testing. Allele origin: germline.
Comment: Absent from controls (or at extremely low frequency if recessive) in Genome Aggregation Database.;Multiple lines of computational evidence support a deleterious effect on the gene or gene product.